The following is an entry in ClinVar:

NM_006904.7(PRKDC):c.3146A>C (p.Gln1049Pro)

Gene: PRKDC (protein kinase, DNA-activated, catalytic subunit; minus strand). Cytogenetic location: 8q11.21.
Variant type: single nucleotide variant.
Coding change: c.3146A>C on transcript NM_006904.7 (MANE Select); coding-DNA position 3146, A replaced by C.
Protein change: p.Gln1049Pro; replaces glutamine 1049 with proline.
Molecular consequence: missense variant.
Genome position (GRCh38, 1-based): chr8:47,902,692, T>G on the plus strand (A>C on the coding strand, the complement: PRKDC is on the minus strand). VCF-style: chr8-47902692-T-G. GRCh37 (hg19) VCF-style: chr8-48815252-T-G.
Other names: c.3146A>C, p.Gln1049Pro (NM_001081640.2); short protein forms Q1049P.
Identifiers: ClinVar variation 3425363 (VCV003425363.1).

ClinVar aggregate classification (germline): Uncertain significance (1 of 4 stars; one submission).

Submission:

Ambry Genetics
Classification: Uncertain significance. Last evaluated: 2024-10-20. Review status: criteria provided, single submitter. Criteria: Ambry Variant Classification Scheme 2023. Collection method: clinical testing. Allele origin: germline.
Comment: The p.Q1049P variant (also known as c.3146A>C), located in coding exon 27 of the PRKDC gene, results from an A to C substitution at nucleotide position 3146. The glutamine at codon 1049 is replaced by proline, an amino acid with similar properties. This amino acid position is conserved. In addition, the in silico prediction for this alteration is inconclusive. Based on the available evidence, the clinical significance of this variant remains unclear.